The following is an entry in ClinVar:

ClinVar aggregate classification (germline): Conflicting classifications of pathogenicity. Review status: criteria provided, conflicting classifications (1 of 4 stars). 2 submissions from 2 submitters: Uncertain significance (1); Likely benign (1). Last evaluated 2023-01-25.

Allele frequency attached by ClinVar (database versions not stated): ESP Exome Variant Server 0.00019.

Submissions (2):

Ambry Genetics
Classification: Uncertain significance. Last evaluated: 2023-01-25. Review status: criteria provided, single submitter. Criteria: Ambry Variant Classification Scheme 2023. Collection method: clinical testing. Allele origin: germline.

CeGaT Center for Human Genetics Tuebingen
Classification: Likely benign. Last evaluated: 2022-11-01. Review status: criteria provided, single submitter. Criteria: CeGaT Center For Human Genetics Tuebingen Variant Classification Criteria Version 2. Collection method: clinical testing. Allele origin: germline. Affected: yes. Observed: 1 variant allele.
Comment: WWC3: BS2

NM_015691.5(WWC3):c.2353C>G (p.Leu785Val)

Gene: WWC3 (WWC family member 3; plus strand). Cytogenetic location: Xp22.2.
Variant type: single nucleotide variant.
Coding change: c.2353C>G on transcript NM_015691.5; coding-DNA position 2353, C replaced by G.
Protein change: p.Leu785Val; replaces leucine 785 with valine.
Molecular consequence: missense variant.
Genome position (GRCh38, 1-based): chrX:10,126,178, C>G. VCF-style: chrX-10126178-C-G. GRCh37 (hg19) VCF-style: chrX-10094218-C-G.
Other names: short protein forms L660V, L785V.
Identifiers: ClinVar variation 2459118 (VCV002459118.26), dbSNP rs140378034, ClinGen allele CA10346613.